The following is an entry in ClinVar:

ClinVar aggregate classification (germline): Conflicting classifications of pathogenicity. Review status: criteria provided, conflicting classifications (1 of 4 stars). 2 submissions from 2 submitters: Uncertain significance (1); Likely benign (1). Last evaluated 2025-12-22.

Conditions:
Primary ciliary dyskinesia. Also called: Ciliary dyskinesia. Identifiers: Orphanet 244, MedGen C0008780, MONDO:0016575, HP:0012265.

Allele frequency attached by ClinVar (database versions not stated): ExAC 0.00002; gnomAD exomes 0.00002 and 0.00004; TOPMed 0.00003.
gnomAD v4.1: 10 of 1,211,819 alleles (0.00083%); highest among the groups gnomAD compares: Admixed American, 0.022%; no homozygotes.

Submissions (2):

Labcorp Genetics (formerly Invitae), Labcorp
Classification: Likely benign for Primary ciliary dyskinesia. Last evaluated: 2025-12-22. Review status: criteria provided, single submitter. Criteria: Invitae Variant Classification Sherloc (09022015). Collection method: clinical testing. Allele origin: germline.

Ambry Genetics
Classification: Uncertain significance for Primary ciliary dyskinesia. Last evaluated: 2018-08-17. Review status: criteria provided, single submitter. Criteria: Ambry Variant Classification Scheme 2023. Collection method: clinical testing. Allele origin: germline.
Comment: The p.F390L variant (also known as c.1170T>G), located in coding exon 10 of the RPGR gene, results from a T to G substitution at nucleotide position 1170. The phenylalanine at codon 390 is replaced by leucine, an amino acid with highly similar properties. This amino acid position is poorly conserved in available vertebrate species. In addition, this alteration is predicted to be tolerated by in silico analysis. Since supporting evidence is limited at this time, the clinical significance of this alteration remains unclear.

NM_001034853.2(RPGR):c.1170T>G (p.Phe390Leu)

Gene: RPGR (retinitis pigmentosa GTPase regulator; minus strand). Cytogenetic location: Xp11.4.
Variant type: single nucleotide variant.
Coding change: c.1170T>G on transcript NM_001034853.2 (MANE Select); coding-DNA position 1170, T replaced by G.
Protein change: p.Phe390Leu; replaces phenylalanine 390 with leucine.
Molecular consequence: missense variant. On other transcripts: non-coding transcript variant (6), intron variant (2).
Genome position (GRCh38, 1-based): chrX:38,299,031, A>C on the plus strand (T>G on the coding strand, the complement: RPGR is on the minus strand). VCF-style: chrX-38299031-A-C. GRCh37 (hg19) VCF-style: chrX-38158284-A-C.
Other names: c.1170T>G, p.Phe390Leu (NM_000328.3, NM_001367247.1); c.1167T>G, p.Phe389Leu (NM_001367245.1, NM_001367249.1, NM_001367250.1); c.1200T>G, p.Phe400Leu (NM_001367248.1); c.1060-1579T>G (NM_001367251.1, NM_001367246.1); short protein forms F389L, F390L, F400L.
Identifiers: ClinVar variation 1140889 (VCV001140889.11), dbSNP rs765979499, ClinGen allele CA10385527.